The following is an entry in ClinVar:

NM_001164277.2(SLC37A4):c.751dup (p.Leu251fs)

Gene: SLC37A4 (solute carrier family 37 member 4; minus strand). Cytogenetic location: 11q23.3.
Variant type: Duplication.
Coding change: c.751dup on transcript NM_001164277.2 (MANE Select); coding-DNA position 751, one base duplicated (C; older notation c.751dupC).
Protein change: p.Leu251fs; shifts the reading frame from leucine 251.
Molecular consequence: frameshift variant.
Genome position (GRCh38, 1-based): chr11:119,026,970, G duplicated on the plus strand (C on the coding strand, the reverse complement: SLC37A4 is on the minus strand); the first of 2 consecutive G bases (chr11:119,026,970-119,026,971); duplicating either gives the same sequence. VCF-style (leftmost placement, unchanged base first): chr11-119026969-A-AG. GRCh37 (hg19) VCF-style: chr11-118897679-A-AG.
Other names: c.751dup, p.Leu251fs (NM_001164278.2, NM_001164280.2, NM_001467.6); c.532dup, p.Leu178fs (NM_001164279.2); short protein forms L251fs, L178fs.
Identifiers: ClinVar variation 2103538 (VCV002103538.4), dbSNP rs2497023156, ClinGen allele CA2580083684.
Genomic context (GRCh38, chr11:119,026,969, plus strand): 5'-CCCACCCTTGTCCCCATGCTCATCTTACCTACAAGGGCTGACTGTCCTTTCTCCTGGATA[A>AG]GGAAGAACTGGCCCCAGTCAGTACAGCAGGTCTTTACTCCAAACACCACAAGGTAACCAG-3'

ClinVar aggregate classification (germline): Pathogenic (1 of 4 stars; one submission).

Conditions:
Glucose-6-phosphate transport defect (GSD1B). Also called: Glycogen Storage Disease Type Ib; GSD Ib. Identifiers: Orphanet 364, Orphanet 79259, MedGen C0268146, MONDO:0009288, OMIM 232220.

Submission:

Labcorp Genetics (formerly Invitae), Labcorp
Classification: Pathogenic for Glucose-6-phosphate transport defect. Last evaluated: 2022-02-25. Review status: criteria provided, single submitter. Criteria: Invitae Variant Classification Sherloc (09022015). Collection method: clinical testing. Allele origin: germline.
Comment: This variant has not been reported in the literature in individuals affected with SLC37A4-related conditions. For these reasons, this variant has been classified as Pathogenic. This variant is not present in population databases (gnomAD no frequency). This sequence change creates a premature translational stop signal (p.Leu251Profs*13) in the SLC37A4 gene. It is expected to result in an absent or disrupted protein product. Loss-of-function variants in SLC37A4 are known to be pathogenic (PMID: 9758626, 10940311).

Literature cited by the submitters: PubMed 9758626; PubMed 10940311.